The following is an entry in ClinVar:

NM_000478.6(ALPL):c.617A>C (p.Tyr206Ser)

Gene: ALPL (alkaline phosphatase, biomineralization associated; plus strand). Cytogenetic location: 1p36.12.
Variant type: single nucleotide variant.
Coding change: c.617A>C on transcript NM_000478.6 (MANE Select); coding-DNA position 617, A replaced by C.
Protein change: p.Tyr206Ser; replaces tyrosine 206 with serine.
Molecular consequence: missense variant.
Genome position (GRCh38, 1-based): chr1:21,564,185, A>C. VCF-style: chr1-21564185-A-C. GRCh37 (hg19) VCF-style: chr1-21890678-A-C.
Other names: c.452A>C, p.Tyr151Ser (NM_001127501.4); c.386A>C, p.Tyr129Ser (NM_001177520.3); c.617A>C, p.Tyr206Ser (NM_001369803.2, NM_001369804.2, NM_001369805.2); short protein forms Y129S, Y151S, Y206S.
Identifiers: ClinVar variation 3368411 (VCV003368411.1).

ClinVar aggregate classification (germline): Uncertain significance (1 of 4 stars; one submission).

gnomAD v4.1: 1 of 1,613,986 alleles (0.000062%); highest among the groups gnomAD compares: Non-Finnish European, 0.000085%; no homozygotes.

Submission:

GeneDx
Classification: Uncertain significance. Last evaluated: 2024-01-29. Review status: criteria provided, single submitter. Criteria: GeneDx Variant Classification Process June 2021. Collection method: clinical testing. Allele origin: germline. Affected: yes.
Comment: Not observed at significant frequency in large population cohorts (gnomAD); In silico analysis supports that this missense variant does not alter protein structure/function; Has not been previously published as pathogenic or benign to our knowledge